The following is an entry in ClinVar:

NM_000548.5(TSC2):c.3257_3259del (p.Gly1086del)

Gene: TSC2 (TSC complex subunit 2; plus strand). Cytogenetic location: 16p13.3.
Variant type: Deletion.
Coding change: c.3257_3259del on transcript NM_000548.5 (MANE Select); coding-DNA positions 3257 to 3259, 3 bases deleted (GGG; older notation c.3257_3259delGGG).
Protein change: p.Gly1086del; deletes glycine 1086.
Molecular consequence: inframe deletion.
Genome position (GRCh38, 1-based): chr16:2,079,401-2,079,403, GGG deleted; deleting any 3 consecutive bases within chr16:2,079,399-2,079,403 gives the same sequence; the c. name uses the placement nearest the transcript's 3' end. VCF-style (leftmost placement, unchanged base first): chr16-2079398-CGGG-C. GRCh37 (hg19) VCF-style: chr16-2129399-CGGG-C.
Other names: c.3257_3259del (NM_000548.3); c.2525_2527del, p.Gly842del (NM_001318831.2); c.3158_3160del, p.Gly1053del (NM_001318832.2); c.3128_3130del, p.Gly1043del (NM_001363528.2, NM_001370405.1, NM_021055.3); c.3125_3127del, p.Gly1042del (NM_001370404.1, NM_001077183.3); c.3257_3259del, p.Gly1086del (NM_001114382.3); c.3017_3019del, p.Gly1006del (NM_001318827.2); c.2981_2983del, p.Gly994del (NM_001318829.2); short protein forms G1086del, G1053del, G1006del, G1042del, G1043del, G842del, G994del.
Identifiers: ClinVar variation 229926 (VCV000229926.20), dbSNP rs137854302, ClinGen allele CA044998.

ClinVar aggregate classification (germline): Uncertain significance. Review status: criteria provided, multiple submitters, no conflicts (2 of 4 stars). 5 submissions from 5 submitters: Uncertain significance (5). Last evaluated 2025-08-15.

Conditions:
Lymphangiomyomatosis (LAM). Also called: Lymphangioleiomyomatosis; Lymphangioleiomyomatosis, somatic. Identifiers: Orphanet 538, MedGen C0751674, MONDO:0011705, OMIM 606690.
Isolated focal cortical dysplasia type II (FCORD2). Also called: CORTICAL DYSPLASIA OF TAYLOR; Focal cortical dysplasia type II. Identifiers: Orphanet 268994, MedGen C1846385, MONDO:0011818, OMIM 607341, HP:0032051.
Tuberous sclerosis 2 (TSC2). Identifiers: Orphanet 805, MedGen C1860707, MONDO:0013199, OMIM 613254.
Hereditary cancer-predisposing syndrome. Also called: Hereditary Cancer Syndrome; Neoplastic Syndromes, Hereditary; Tumor predisposition; Hereditary neoplastic syndrome. Identifiers: Orphanet 140162, MedGen C0027672, MeSH D009386, MONDO:0015356.
Tuberous sclerosis syndrome (TSC). Also called: Tuberous sclerosis; Tuberous Sclerosis Complex. Identifiers: Orphanet 805, MedGen C0041341, MONDO:0001734.

Submissions (5):

Labcorp Genetics (formerly Invitae), Labcorp
Classification: Uncertain significance for Tuberous sclerosis 2. Last evaluated: 2025-08-15. Review status: criteria provided, single submitter. Criteria: Invitae Variant Classification Sherloc (09022015). Collection method: clinical testing. Allele origin: germline.
Comment: This variant, c.3257_3259del, results in the deletion of 1 amino acid(s) of the TSC2 protein (p.Gly1086del), but otherwise preserves the integrity of the reading frame. This variant is present in population databases (rs770242969, gnomAD 0.0009%). This variant has not been reported in the literature in individuals affected with TSC2-related conditions. ClinVar contains an entry for this variant (Variation ID: 229926). Experimental studies and prediction algorithms are not available or were not evaluated, and the functional significance of this variant is currently unknown. In summary, the available evidence is currently insufficient to determine the role of this variant in disease. Therefore, it has been classified as a Variant of Uncertain Significance.

All of Us Research Program, National Institutes of Health
Classification: Uncertain significance for Tuberous sclerosis syndrome. Last evaluated: 2024-08-23. Review status: criteria provided, single submitter. Criteria: ACMG Guidelines, 2015. Collection method: clinical testing. Allele origin: germline. Inheritance: Autosomal dominant inheritance. Observed: 2 variant alleles, 2 heterozygotes.
Comment: This variant causes an in-frame deletion of one amino acid at codon 1086 of the TSC2 protein. To our knowledge, functional studies have not been reported for this variant. This variant has not been reported in individuals affected with TSC2-related disorders in the literature. This variant has been identified in 1/249756 chromosomes in the general population by the Genome Aggregation Database (gnomAD). The available evidence is insufficient to determine the role of this variant in disease conclusively. Therefore, this variant is classified as a Variant of Uncertain Significance.

This study involves interpretation of variants in research participants for the purpose of population health screening. Participant phenotype was not available at the time of variant classification. Additional details can be found in publication PMID: 35346344, PMCID: PMC8962531

Ambry Genetics
Classification: Uncertain significance for Hereditary cancer-predisposing syndrome. Last evaluated: 2024-04-09. Review status: criteria provided, single submitter. Criteria: Ambry Variant Classification Scheme 2023. Collection method: clinical testing. Allele origin: germline.
Comment: The c.3257_3259delGGG variant (also known as p.G1086del) is located in coding exon 27 of the TSC2 gene. This variant results from an in-frame GGG deletion at nucleotide positions 3257 to 3259. This results in the in-frame deletion of a glycine at codon 1086. This amino acid position is well conserved in available vertebrate species. In addition, the in silico prediction for this alteration is inconclusive (Choi Y et al. PLoS ONE. 2012; 7(10):e46688). Since supporting evidence is limited at this time, the clinical significance of this alteration remains unclear.

Fulgent Genetics
Classification: Uncertain significance for Lymphangiomyomatosis; Isolated focal cortical dysplasia type II; Tuberous sclerosis 2. Last evaluated: 2024-01-05. Review status: criteria provided, single submitter. Criteria: ACMG Guidelines, 2015. Collection method: clinical testing. Allele origin: germline.

Genome-Nilou Lab
Classification: Uncertain significance for Tuberous sclerosis 2. Last evaluated: 2021-11-07. Review status: criteria provided, single submitter. Criteria: ACMG Guidelines, 2015. Collection method: clinical testing. Allele origin: germline. Affected: no.